The following is an entry in ClinVar:

ClinVar aggregate classification (germline): Uncertain significance. Review status: criteria provided, multiple submitters, no conflicts (2 of 4 stars). 3 submissions from 3 submitters: Uncertain significance (3). Last evaluated 2026-07-01.

Conditions:
Ehlers-Danlos syndrome, classic type, 1 (EDSCL1). Also called: EHLERS-DANLOS SYNDROME, GRAVIS TYPE; EHLERS-DANLOS SYNDROME, SEVERE CLASSIC TYPE; Ehlers-Danlos Syndrome, Classic Type, COL5A1-Related; Ehlers-Danlos syndrome, type 1; EDS I. Identifiers: MedGen C0268335, MONDO:0019567, OMIM 130000.
Familial thoracic aortic aneurysm and aortic dissection (TAAD). Also called: Thoracic aortic aneurysms and dissections. Identifiers: Orphanet 91387, MedGen C4707243, MONDO:0019625.

Allele frequency attached by ClinVar (database versions not stated): gnomAD 0.00001; TOPMed 0.00001.
gnomAD v4.1: 1 of 1,612,592 alleles (0.000062%); highest among the groups gnomAD compares: Non-Finnish European, 0.000085%; no homozygotes.

Submissions (3):

Ambry Genetics
Classification: Uncertain significance for Familial thoracic aortic aneurysm and aortic dissection. Last evaluated: 2026-07-01. Review status: criteria provided, single submitter. Criteria: Ambry Variant Classification Scheme 2023. Collection method: clinical testing. Allele origin: germline.
Comment: The p.H1646R variant (also known as c.4937A>G), located in coding exon 62 of the COL5A1 gene, results from an A to G substitution at nucleotide position 4937. The histidine at codon 1646 is replaced by arginine, an amino acid with highly similar properties. This amino acid position is conserved. In addition, the in silico prediction for this alteration is inconclusive. Based on the available evidence, the clinical significance of this variant remains unclear.

Labcorp Genetics (formerly Invitae), Labcorp
Classification: Uncertain significance for Ehlers-Danlos syndrome, classic type, 1. Last evaluated: 2026-01-10. Review status: criteria provided, single submitter. Criteria: Invitae Variant Classification Sherloc (09022015). Collection method: clinical testing. Allele origin: germline.
Comment: This sequence change replaces histidine, which is basic and polar, with arginine, which is basic and polar, at codon 1646 of the COL5A1 protein (p.His1646Arg). This variant is not present in population databases (gnomAD no frequency). This variant has not been reported in the literature in individuals affected with COL5A1-related conditions. ClinVar contains an entry for this variant (Variation ID: 1677883). Invitae Evidence Modeling of protein sequence and biophysical properties (such as structural, functional, and spatial information, amino acid conservation, physicochemical variation, residue mobility, and thermodynamic stability) indicates that this missense variant is not expected to disrupt COL5A1 protein function with a negative predictive value of 95%. In summary, the available evidence is currently insufficient to determine the role of this variant in disease. Therefore, it has been classified as a Variant of Uncertain Significance.

AiLife Diagnostics
Classification: Uncertain significance. Last evaluated: 2022-02-02. Review status: criteria provided, single submitter. Criteria: ACMG Guidelines, 2015. Collection method: clinical testing. Allele origin: germline. Affected: yes. Observed: 1 variant allele.

NM_000093.5(COL5A1):c.4937A>G (p.His1646Arg)

Genes: COL5A1 (collagen type V alpha 1 chain; plus strand), LOC101448202 (uncharacterized LOC101448202; minus strand). Cytogenetic location: 9q34.3.
Variant type: single nucleotide variant.
Coding change: c.4937A>G on transcript NM_000093.5 (MANE Select); coding-DNA position 4937, A replaced by G.
Protein change: p.His1646Arg; replaces histidine 1646 with arginine.
Molecular consequence: missense variant.
Genome position (GRCh38, 1-based): chr9:134,824,838, A>G. VCF-style: chr9-134824838-A-G. GRCh37 (hg19) VCF-style: chr9-137716684-A-G.
Other names: c.4937A>G (NM_000093.3); c.4937A>G, p.His1646Arg (NM_001278074.1); short protein forms H1646R.
Identifiers: ClinVar variation 1677883 (VCV001677883.7), dbSNP rs1273195387, ClinGen allele CA375458766.